The following is an entry in ClinVar:

ClinVar aggregate classification (germline): Uncertain significance (1 of 4 stars; one submission).

Conditions:
Candidiasis, familial, 8 (CANDF8). Identifiers: Orphanet 1334, MedGen C3714992, MONDO:0014230, OMIM 615527.

Submission:

Labcorp Genetics (formerly Invitae), Labcorp
Classification: Uncertain significance for Candidiasis, familial, 8. Last evaluated: 2022-08-19. Review status: criteria provided, single submitter. Criteria: Invitae Variant Classification Sherloc (09022015). Collection method: clinical testing. Allele origin: germline.
Comment: This sequence change replaces tyrosine, which is neutral and polar, with aspartic acid, which is acidic and polar, at codon 15 of the TRAF3IP2 protein (p.Tyr15Asp). This variant is not present in population databases (gnomAD no frequency). This variant has not been reported in the literature in individuals affected with TRAF3IP2-related conditions. Algorithms developed to predict the effect of missense changes on protein structure and function are either unavailable or do not agree on the potential impact of this missense change (SIFT: "Deleterious"; PolyPhen-2: "Possibly Damaging"; Align-GVGD: "Class C0"). In summary, the available evidence is currently insufficient to determine the role of this variant in disease. Therefore, it has been classified as a Variant of Uncertain Significance.

NM_147686.4(TRAF3IP2):c.43T>G (p.Tyr15Asp)

Genes: TRAF3IP2 (TRAF3 interacting protein 2; minus strand), TRAF3IP2-AS1 (TRAF3IP2 antisense RNA 1; plus strand). Cytogenetic location: 6q21.
Variant type: single nucleotide variant.
Coding change: c.43T>G on transcript NM_147686.4 (MANE Select); coding-DNA position 43, T replaced by G.
Protein change: p.Tyr15Asp; replaces tyrosine 15 with aspartic acid.
Molecular consequence: missense variant.
Genome position (GRCh38, 1-based): chr6:111,592,044, A>C on the plus strand (T>G on the coding strand, the complement: TRAF3IP2 is on the minus strand). VCF-style: chr6-111592044-A-C. GRCh37 (hg19) VCF-style: chr6-111913247-A-C.
Other names: c.43T>G, p.Tyr15Asp (NM_001164281.3); c.70T>G, p.Tyr24Asp (NM_147200.3); short protein forms Y15D, Y24D.
Identifiers: ClinVar variation 1716966 (VCV001716966.3), dbSNP rs2536183332, ClinGen allele CA365370348.